The following is an entry in ClinVar:

NM_152416.4(NDUFAF6):c.779A>G (p.Tyr260Cys)

Gene: NDUFAF6 (NADH:ubiquinone oxidoreductase complex assembly factor 6; plus strand). Cytogenetic location: 8q22.1.
Variant type: single nucleotide variant.
Coding change: c.779A>G on transcript NM_152416.4 (MANE Select); coding-DNA position 779, A replaced by G.
Protein change: p.Tyr260Cys; replaces tyrosine 260 with cysteine.
Molecular consequence: missense variant. On other transcripts: non-coding transcript variant (6).
Genome position (GRCh38, 1-based): chr8:95,048,521, A>G. VCF-style: chr8-95048521-A-G. GRCh37 (hg19) VCF-style: chr8-96060749-A-G.
Other names: c.503A>G, p.Tyr168Cys (NM_001330582.2, NM_001354514.2, NM_001354515.2 and 1 more transcripts); c.623A>G, p.Tyr208Cys (NM_001354516.2); c.446A>G, p.Tyr149Cys (NM_001354517.2, NM_001354518.2, NM_001354519.2 and 1 more transcripts); c.323A>G, p.Tyr108Cys (NM_001354522.2, NM_001354524.2, NM_001354525.2 and 7 more transcripts); c.779A>G (NM_152416.2); short protein forms Y168C, Y108C, Y149C, Y260C, Y208C.
Identifiers: ClinVar variation 1415626 (VCV001415626.8), dbSNP rs746347617, ClinGen allele CA4814901.

ClinVar aggregate classification (germline): Uncertain significance. Review status: criteria provided, multiple submitters, no conflicts (2 of 4 stars). 3 submissions from 3 submitters: Uncertain significance (3). Last evaluated 2025-11-26.

Conditions:
Inborn genetic diseases. Identifiers: MedGen C0950123, MeSH D030342.

Allele frequency attached by ClinVar (database versions not stated): ExAC 0.00003; gnomAD 0.00006 and 0.00007; gnomAD exomes 0.00006; TOPMed 0.00008.
gnomAD v4.1: 103 of 1,614,070 alleles (0.0064%); highest among the groups gnomAD compares: Admixed American, 0.017%; no homozygotes.

Submissions (3):

Ambry Genetics
Classification: Uncertain significance for Inborn genetic diseases. Last evaluated: 2025-11-26. Review status: criteria provided, single submitter. Criteria: Ambry Variant Classification Scheme 2023. Collection method: clinical testing. Allele origin: germline.

Labcorp Genetics (formerly Invitae), Labcorp
Classification: Uncertain significance. Last evaluated: 2024-12-09. Review status: criteria provided, single submitter. Criteria: Invitae Variant Classification Sherloc (09022015). Collection method: clinical testing. Allele origin: germline.
Comment: This sequence change replaces tyrosine, which is neutral and polar, with cysteine, which is neutral and slightly polar, at codon 260 of the NDUFAF6 protein (p.Tyr260Cys). This variant is present in population databases (rs746347617, gnomAD 0.02%). This variant has not been reported in the literature in individuals affected with NDUFAF6-related conditions. ClinVar contains an entry for this variant (Variation ID: 1415626). Invitae Evidence Modeling of protein sequence and biophysical properties (such as structural, functional, and spatial information, amino acid conservation, physicochemical variation, residue mobility, and thermodynamic stability) has been performed for this missense variant. However, the output from this modeling did not meet the statistical confidence thresholds required to predict the impact of this variant on NDUFAF6 protein function. In summary, the available evidence is currently insufficient to determine the role of this variant in disease. Therefore, it has been classified as a Variant of Uncertain Significance.

Blueprint Genetics
Classification: Uncertain significance. Last evaluated: 2024-11-06. Review status: criteria provided, single submitter. Criteria: ACMG Guidelines, 2015. Collection method: clinical testing. Allele origin: germline.